The following is an entry in ClinVar:

NM_004006.3(DMD):c.2257G>T (p.Glu753Ter)

Gene: DMD (dystrophin; minus strand). Cytogenetic location: Xp21.1.
Variant type: single nucleotide variant.
Coding change: c.2257G>T on transcript NM_004006.3 (MANE Select); coding-DNA position 2257, G replaced by T.
Protein change: p.Glu753Ter; replaces glutamic acid 753 with a stop codon.
Molecular consequence: nonsense.
Genome position (GRCh38, 1-based): chrX:32,518,043, C>A on the plus strand (G>T on the coding strand, the complement: DMD is on the minus strand). VCF-style: chrX-32518043-C-A. GRCh37 (hg19) VCF-style: chrX-32536160-C-A.
Other names: c.2233G>T, p.Glu745Ter (NM_000109.4); c.2245G>T, p.Glu749Ter (NM_004009.3); c.1888G>T, p.Glu630Ter (NM_004010.3); short protein forms E753*, E745*, E749*, E630*.
Identifiers: ClinVar variation 545973 (VCV000545973.4), dbSNP rs1557396632, ClinGen allele CA412663801.

ClinVar aggregate classification (germline): Pathogenic. Review status: criteria provided, multiple submitters, no conflicts (2 of 4 stars). 2 submissions from 2 submitters: Pathogenic (2). Last evaluated 2018-06-14.

Submissions (2):

Athena Diagnostics
Classification: Pathogenic. Last evaluated: 2018-06-14. Review status: criteria provided, single submitter. Criteria: Athena Diagnostics Criteria. Collection method: clinical testing. Allele origin: germline.

GeneDx
Classification: Pathogenic. Last evaluated: 2018-05-16. Review status: criteria provided, single submitter. Criteria: GeneDx Variant Classification (06012015). Collection method: clinical testing. Allele origin: germline. Affected: yes.
Comment: The E753X variant has been reported previously in association with dystrophinopathy (Guo et al., 2015). This variant is predicted to cause loss of normal protein function either through protein truncation or nonsense-mediated mRNA decay. The E753X variant is not observed in large population cohorts (Lek et al., 2016). Additionally, this nonsense variant may qualify for nonsense read-through therapy. Therefore, the presence of the E753X pathogenic variant is consistent with a diagnosis of a dystrophinopathy in this individual.

Literature cited by the submitters: PubMed 25972034 (cited by Athena Diagnostics).